The following is an entry in ClinVar:

NM_144687.4(NLRP12):c.*172C>T

Gene: NLRP12 (NLR family pyrin domain containing 12; minus strand). Cytogenetic location: 19q13.42.
Variant type: single nucleotide variant.
Coding change: c.*172C>T on transcript NM_144687.4 (MANE Select); 172 bases downstream of the stop codon, C replaced by T.
Molecular consequence: 3 prime UTR variant.
Genome position (GRCh38, 1-based): chr19:53,793,877, G>A on the plus strand (C>T on the coding strand, the complement: NLRP12 is on the minus strand). VCF-style: chr19-53793877-G-A. GRCh37 (hg19) VCF-style: chr19-54297131-G-A.
Other names: c.*172C>T (NM_001277126.2, NM_001277129.1).
Identifiers: ClinVar variation 894484 (VCV000894484.4), dbSNP rs185571043, ClinGen allele CA310109363.

ClinVar aggregate classification (germline): Benign (1 of 4 stars; one submission).

Conditions:
Familial cold autoinflammatory syndrome 2 (FCAS2). Identifiers: Orphanet 247868, MedGen C2673198, MONDO:0012724, OMIM 611762.

Allele frequency attached by ClinVar (database versions not stated): gnomAD 0.00010; TOPMed 0.00010; 1000 Genomes Project 0.00040; 1000 Genomes Project 30x 0.00062.
gnomAD v4.1: 51 of 693,936 alleles (0.0073%); highest among the groups gnomAD compares: African/African-American, 0.033%; no homozygotes.

Submission:

Illumina Laboratory Services, Illumina
Classification: Benign for Familial cold autoinflammatory syndrome 2. Last evaluated: 2018-01-13. Review status: criteria provided, single submitter. Criteria: ICSL Variant Classification Criteria 13 December 2019. Collection method: clinical testing. Allele origin: germline.
Comment: This variant was observed in the ICSL laboratory as part of a predisposition screen in an ostensibly healthy population. It had not been previously curated by ICSL or reported in the Human Gene Mutation Database (HGMD: prior to June 1st, 2018), and was therefore a candidate for classification through an automated scoring system. Utilizing variant allele frequency, disease prevalence and penetrance estimates, and inheritance mode, an automated score was calculated to assess if this variant is too frequent to cause the disease. Based on the score and internal cut-off values, a variant classified as benign is not then subjected to further curation. The score for this variant resulted in a classification of benign for this disease.